The following is an entry in ClinVar:

NM_000434.4(NEU1):c.640C>T (p.Arg214Cys)

Gene: NEU1 (neuraminidase 1; minus strand). Cytogenetic location: 6p21.33.
Variant type: single nucleotide variant.
Coding change: c.640C>T on transcript NM_000434.4 (MANE Select); coding-DNA position 640, C replaced by T.
Protein change: p.Arg214Cys; replaces arginine 214 with cysteine.
Molecular consequence: missense variant.
Genome position (GRCh38, 1-based): chr6:31,860,597, G>A on the plus strand (C>T on the coding strand, the complement: NEU1 is on the minus strand). VCF-style: chr6-31860597-G-A. GRCh37 (hg19) VCF-style: chr6-31828374-G-A.
Other names: short protein forms R214C.
Identifiers: ClinVar variation 4734448 (VCV004734448.1).

ClinVar aggregate classification (germline): Likely pathogenic (1 of 4 stars; one submission).

gnomAD v4.1: 3 of 1,613,888 alleles (0.00019%); highest among the groups gnomAD compares: East Asian, 0.0022%; no homozygotes.

Submission:

Labcorp Genetics (formerly Invitae), Labcorp
Classification: Likely pathogenic. Last evaluated: 2025-10-07. Review status: criteria provided, single submitter. Criteria: Invitae Variant Classification Sherloc (09022015). Collection method: clinical testing. Allele origin: germline.
Comment: This sequence change replaces arginine, which is basic and polar, with cysteine, which is neutral and slightly polar, at codon 214 of the NEU1 protein (p.Arg214Cys). This variant is present in population databases (no rsID available, gnomAD 0.006%). This missense change has been observed in individual(s) with sialidosis (PMID: 38790028). Invitae Evidence Modeling of protein sequence and biophysical properties (such as structural, functional, and spatial information, amino acid conservation, physicochemical variation, residue mobility, and thermodynamic stability) indicates that this missense variant is expected to disrupt NEU1 protein function with a positive predictive value of 80%. This variant disrupts the p.Arg214 amino acid residue in NEU1. Other variant(s) that disrupt this residue have been observed in individuals with NEU1-related conditions (internal data), which suggests that this may be a clinically significant amino acid residue. In summary, the currently available evidence indicates that the variant is pathogenic, but additional data are needed to prove that conclusively. Therefore, this variant has been classified as Likely Pathogenic.

Literature cited by the submitters: PubMed 38790028.